The following is an entry in ClinVar:

ClinVar aggregate classification (germline): Uncertain significance (1 of 4 stars; one submission).

Conditions:
Acromesomelic dysplasia 1, Maroteaux type (AMD1). Also called: ACROMESOMELIC DYSPLASIA 1; ST. HELENA DYSPLASIA. Identifiers: Orphanet 40, MedGen C1864356, MONDO:0011275, OMIM 602875.
Tall stature-scoliosis-macrodactyly of the great toes syndrome. Also called: Epiphyseal chondrodysplasia, miura type. Identifiers: Orphanet 329191, MedGen C4014690, MONDO:0014401, OMIM 615923.

Submission:

Labcorp Genetics (formerly Invitae), Labcorp
Classification: Uncertain significance for Tall stature-scoliosis-macrodactyly of the great toes syndrome; Acromesomelic dysplasia 1, Maroteaux type. Last evaluated: 2022-08-19. Review status: criteria provided, single submitter. Criteria: Invitae Variant Classification Sherloc (09022015). Collection method: clinical testing. Allele origin: germline.
Comment: This sequence change replaces cysteine, which is neutral and slightly polar, with serine, which is neutral and polar, at codon 966 of the NPR2 protein (p.Cys966Ser). This variant is not present in population databases (gnomAD no frequency). This variant has not been reported in the literature in individuals affected with NPR2-related conditions. Algorithms developed to predict the effect of missense changes on protein structure and function (SIFT, PolyPhen-2, Align-GVGD) all suggest that this variant is likely to be disruptive. In summary, the available evidence is currently insufficient to determine the role of this variant in disease. Therefore, it has been classified as a Variant of Uncertain Significance.

NM_003995.4(NPR2):c.2897G>C (p.Cys966Ser)

Genes: NPR2 (natriuretic peptide receptor 2; plus strand), SPAG8 (sperm associated antigen 8; minus strand). Cytogenetic location: 9p13.3.
Variant type: single nucleotide variant.
Coding change: c.2897G>C on transcript NM_003995.4 (MANE Select); coding-DNA position 2897, G replaced by C.
Protein change: p.Cys966Ser; replaces cysteine 966 with serine.
Molecular consequence: missense variant. On other transcripts: intron variant (2).
Genome position (GRCh38, 1-based): chr9:35,808,764, G>C. VCF-style: chr9-35808764-G-C. GRCh37 (hg19) VCF-style: chr9-35808761-G-C.
Other names: c.2906G>C, p.Cys969Ser (NM_001378923.1); c.1201-458C>G (NM_001366760.2); c.1373-458C>G (NM_172312.2); short protein forms C966S, C969S.
Identifiers: ClinVar variation 1716854 (VCV001716854.6), dbSNP rs2491077381, ClinGen allele CA373385694.